The following is an entry in ClinVar:

NM_001038.6(SCNN1A):c.1109G>A (p.Arg370Gln)

Gene: SCNN1A (sodium channel epithelial 1 subunit alpha; minus strand). Cytogenetic location: 12p13.31.
Variant type: single nucleotide variant.
Coding change: c.1109G>A on transcript NM_001038.6 (MANE Select); coding-DNA position 1109, G replaced by A.
Protein change: p.Arg370Gln; replaces arginine 370 with glutamine.
Molecular consequence: missense variant.
Genome position (GRCh38, 1-based): chr12:6,355,306, C>T on the plus strand (G>A on the coding strand, the complement: SCNN1A is on the minus strand). VCF-style: chr12-6355306-C-T. GRCh37 (hg19) VCF-style: chr12-6464472-C-T.
Other names: c.1178G>A, p.Arg393Gln (NM_001159575.2); c.1286G>A, p.Arg429Gln (NM_001159576.2); short protein forms R370Q, R393Q, R429Q.
Identifiers: ClinVar variation 3366612 (VCV003366612.3).

ClinVar aggregate classification (germline): Conflicting classifications of pathogenicity. Review status: criteria provided, conflicting classifications (1 of 4 stars). 3 submissions from 3 submitters: Uncertain significance (2); Likely benign (1). Last evaluated 2024-09-12.

Conditions:
Pseudohypoaldosteronism, type IB1, autosomal recessive. Also called: Pseudohypoaldosteronism, Type I, Recessive; PHA I, AUTOSOMAL RECESSIVE; Pseudohypoaldosteronism, Type I, Autosomal Recessive; Autosomal recessive pseudohypoaldosteronism type 1. Identifiers: Orphanet 171876, Orphanet 756, MedGen C5774176, MONDO:0009917, OMIM 264350.
Bronchiectasis with or without elevated sweat chloride 2 (BESC2). Identifiers: Orphanet 60033, MedGen C2751666, MONDO:0013087, OMIM 613021.
Liddle syndrome 3. Identifiers: MedGen C4748292, MONDO:0029132, OMIM 618126.

gnomAD v4.1: 357 of 1,613,522 alleles (0.022%); highest among the groups gnomAD compares: South Asian, 0.029%; 1 homozygote.

Submissions (3):

Blueprint Genetics
Classification: Uncertain significance. Last evaluated: 2024-09-12. Review status: criteria provided, single submitter. Criteria: ACMG Guidelines, 2015. Collection method: clinical testing. Allele origin: germline.

Women's Health and Genetics/Laboratory Corporation of America, LabCorp
Classification: Uncertain significance. Last evaluated: 2024-08-23. Review status: criteria provided, single submitter. Criteria: LabCorp Variant Classification Summary - May 2015. Collection method: clinical testing. Allele origin: germline.
Comment: Variant summary: SCNN1A c.1109G>A (p.Arg370Gln) results in a conservative amino acid change in the encoded protein sequence. Three of five in-silico tools predict a benign effect of the variant on protein function. The variant allele was found at a frequency of 0.00016 in 249804 control chromosomes. This frequency is not significantly higher than estimated for a pathogenic variant in SCNN1A causing SCNN1A-Related Disorders, allowing no conclusion about variant significance. To our knowledge, no occurrence of c.1109G>A in individuals affected with SCNN1A-Related Disorders and no experimental evidence demonstrating its impact on protein function have been reported. No submitters have cited clinical-significance assessments for this variant to ClinVar. Based on the evidence outlined above, the variant was classified as uncertain significance.

Fulgent Genetics
Classification: Likely benign for Pseudohypoaldosteronism, type IB1, autosomal recessive; Bronchiectasis with or without elevated sweat chloride 2; Liddle syndrome 3. Last evaluated: 2024-03-05. Review status: criteria provided, single submitter. Criteria: ACMG Guidelines, 2015. Collection method: clinical testing. Allele origin: germline.